The following is an entry in ClinVar:

NM_020975.6(RET):c.866A>C (p.Glu289Ala)

Gene: RET (ret proto-oncogene; plus strand). Cytogenetic location: 10q11.21.
Variant type: single nucleotide variant.
Coding change: c.866A>C on transcript NM_020975.6 (MANE Select); coding-DNA position 866, A replaced by C.
Protein change: p.Glu289Ala; replaces glutamic acid 289 with alanine.
Molecular consequence: missense variant.
Genome position (GRCh38, 1-based): chr10:43,105,192, A>C. VCF-style: chr10-43105192-A-C. GRCh37 (hg19) VCF-style: chr10-43600640-A-C.
Other names: c.866A>C, p.Glu289Ala (NM_000323.2, NM_001406743.1, NM_001406744.1 and 8 more transcripts); c.104A>C, p.Glu35Ala (NM_001355216.2); c.737A>C, p.Glu246Ala (NM_001406761.1, NM_001406762.1, NM_001406764.1 and 2 more transcripts); c.578A>C, p.Glu193Ala (NM_001406766.1, NM_001406767.1, NM_001406770.1); short protein forms E289A, E35A, E193A, E246A.
Identifiers: ClinVar variation 1764233 (VCV001764233.2), dbSNP rs2538391184, ClinGen allele CA376545463.
Genomic context (GRCh38, chr10:43,105,192, plus strand): 5'-CGCCCACCTTCCCCGCGGGCGTCGACACCGCCAGCGCCGTGGTGGAGTTCAAGCGGAAGG[A>C]GGTGCTTGTCCGCGCGTGCTGTGGTCTACCCAGTGTCTGTCTCCGGCCACAGTTCGTTTC-3'
Protein context (NP_066124.1, residues 279-299): ASAVVEFKRK[Glu289Ala]DTVVATLRVF

ClinVar aggregate classification (germline): Uncertain significance (1 of 4 stars; one submission).

Conditions:
Hereditary cancer-predisposing syndrome. Also called: Neoplastic Syndromes, Hereditary; Tumor predisposition; Hereditary Cancer Syndrome; Hereditary neoplastic syndrome. Identifiers: Orphanet 140162, MedGen C0027672, MeSH D009386, MONDO:0015356.

Submission:

Ambry Genetics
Classification: Uncertain significance for Hereditary cancer-predisposing syndrome. Last evaluated: 2017-03-29. Review status: criteria provided, single submitter. Criteria: Ambry Variant Classification Scheme 2023. Collection method: clinical testing. Allele origin: germline.
Comment: The p.E289A variant (also known as c.866A>C), located in coding exon 4 of the RET gene, results from an A to C substitution at nucleotide position 866. The glutamic acid at codon 289 is replaced by alanine, an amino acid with dissimilar properties. This amino acid position is highly conserved in available vertebrate species. In addition, this alteration is predicted to be tolerated by in silico analysis. Since supporting evidence is limited at this time, the clinical significance of this alteration remains unclear.